The following is an entry in ClinVar:

ClinVar aggregate classification (germline): Uncertain significance. Review status: criteria provided, multiple submitters, no conflicts (2 of 4 stars). 3 submissions from 3 submitters: Uncertain significance (3). Last evaluated 2026-01-14.

Conditions:
NEFH-related disorder. Also called: NEFH-related condition.
Inborn genetic diseases. Identifiers: MedGen C0950123, MeSH D030342.

Allele frequency attached by ClinVar (database versions not stated): gnomAD 0.00001; TOPMed 0.00001; gnomAD exomes 0.00003; ExAC 0.00004.

Submissions (3):

Labcorp Genetics (formerly Invitae), Labcorp
Classification: Uncertain significance. Last evaluated: 2026-01-14. Review status: criteria provided, single submitter. Criteria: Invitae Variant Classification Sherloc (09022015). Collection method: clinical testing. Allele origin: germline.
Comment: This sequence change replaces valine, which is neutral and non-polar, with methionine, which is neutral and non-polar, at codon 916 of the NEFH protein (p.Val916Met). This variant is present in population databases (rs762057603, gnomAD 0.006%). This variant has not been reported in the literature in individuals affected with NEFH-related conditions. ClinVar contains an entry for this variant (Variation ID: 1431634). Invitae Evidence Modeling of protein sequence and biophysical properties (such as structural, functional, and spatial information, amino acid conservation, physicochemical variation, residue mobility, and thermodynamic stability) indicates that this missense variant is not expected to disrupt NEFH protein function with a negative predictive value of 95%. In summary, the available evidence is currently insufficient to determine the role of this variant in disease. Therefore, it has been classified as a Variant of Uncertain Significance.

PreventionGenetics, part of Exact Sciences
Classification: Uncertain significance for NEFH-related condition. Last evaluated: 2025-10-22. Review status: criteria provided, single submitter. Criteria: ACMG Guidelines, 2015. Collection method: clinical testing. Allele origin: germline.
Comment: The NEFH c.2746G>A variant is predicted to result in the amino acid substitution p.Val916Met. To our knowledge, this variant has not been reported in the literature. This variant is reported in 0.0063% of alleles in individuals of European (non-Finnish) descent in gnomAD. At this time, the clinical significance of this variant is uncertain due to the absence of conclusive functional and genetic evidence.

Ambry Genetics
Classification: Uncertain significance for Inborn genetic diseases. Last evaluated: 2023-04-24. Review status: criteria provided, single submitter. Criteria: Ambry Variant Classification Scheme 2023. Collection method: clinical testing. Allele origin: germline.

NM_021076.4(NEFH):c.2746G>A (p.Val916Met)

Gene: NEFH (neurofilament heavy chain; plus strand). Cytogenetic location: 22q12.2.
Variant type: single nucleotide variant.
Coding change: c.2746G>A on transcript NM_021076.4 (MANE Select); coding-DNA position 2746, G replaced by A.
Protein change: p.Val916Met; replaces valine 916 with methionine.
Molecular consequence: missense variant.
Genome position (GRCh38, 1-based): chr22:29,490,386, G>A. VCF-style: chr22-29490386-G-A. GRCh37 (hg19) VCF-style: chr22-29886375-G-A.
Other names: short protein forms V916M.
Identifiers: ClinVar variation 1431634 (VCV001431634.11), dbSNP rs762057603, ClinGen allele CA10174482.